The following is an entry in ClinVar:

NM_001142800.2(EYS):c.1018C>T (p.Pro340Ser)

Gene: EYS (eyes shut homolog; minus strand). Cytogenetic location: 6q12.
Variant type: single nucleotide variant.
Coding change: c.1018C>T on transcript NM_001142800.2 (MANE Select); coding-DNA position 1018, C replaced by T.
Protein change: p.Pro340Ser; replaces proline 340 with serine.
Molecular consequence: missense variant.
Genome position (GRCh38, 1-based): chr6:65,405,212, G>A on the plus strand (C>T on the coding strand, the complement: EYS is on the minus strand). VCF-style: chr6-65405212-G-A. GRCh37 (hg19) VCF-style: chr6-66115105-G-A.
Other names: c.1018C>T, p.Pro340Ser (NM_001142801.2, NM_001292009.2, NM_198283.2); short protein forms P340S.
Identifiers: ClinVar variation 1041499 (VCV001041499.5), dbSNP rs1766677062, ClinGen allele CA364662634.
Genomic context (GRCh38, chr6:65,405,212, plus strand): 5'-TATATGTTAGATTGAGACTTACATTTGATATTTTGATGCAGTCAGTACCATTCTGACATG[G>A]TACTAATGAAAACTCACTGACATCAGTTTCACCATTTTGGCTGGAAGATCCTTTTGGGCA-3'
Protein context (NP_001136272.1, residues 330-350): ETDVSEFSLV[Pro340Ser]CQNGTDCIKI

ClinVar aggregate classification (germline): Uncertain significance. Review status: criteria provided, single submitter (1 of 4 stars). 2 submissions from 2 submitters: Uncertain significance (1). 1 of the submissions does not count toward it. Last evaluated 2023-08-28.

Conditions:
Retinitis pigmentosa 25 (RP25). Identifiers: Orphanet 791, MedGen C1864446, MONDO:0011272, OMIM 602772.

Allele frequency attached by ClinVar (database versions not stated): gnomAD exomes below 0.00001.
gnomAD v4.1: 2 of 1,613,028 alleles (0.00012%); highest among the groups gnomAD compares: Admixed American, 0.0033%; no homozygotes.

Submissions (2):

Labcorp Genetics (formerly Invitae), Labcorp
Classification: Uncertain significance. Last evaluated: 2023-08-28. Review status: criteria provided, single submitter. Criteria: Invitae Variant Classification Sherloc (09022015). Collection method: clinical testing. Allele origin: germline.
Comment: In summary, the available evidence is currently insufficient to determine the role of this variant in disease. Therefore, it has been classified as a Variant of Uncertain Significance. Advanced modeling of protein sequence and biophysical properties (such as structural, functional, and spatial information, amino acid conservation, physicochemical variation, residue mobility, and thermodynamic stability) has been performed at Invitae for this missense variant, however the output from this modeling did not meet the statistical confidence thresholds required to predict the impact of this variant on EYS protein function. ClinVar contains an entry for this variant (Variation ID: 1041499). This variant has not been reported in the literature in individuals affected with EYS-related conditions. This variant is not present in population databases (gnomAD no frequency). This sequence change replaces proline, which is neutral and non-polar, with serine, which is neutral and polar, at codon 340 of the EYS protein (p.Pro340Ser).

Natera, Inc.
Classification: Uncertain significance for Retinitis pigmentosa type 25. Last evaluated: 2020-09-22. Review status: no assertion criteria provided. Collection method: clinical testing. Allele origin: germline. Not counted in ClinVar's aggregate classification.